The following is an entry in ClinVar:

NM_003954.5(MAP3K14):c.1573A>C (p.Ser525Arg)

Gene: MAP3K14 (mitogen-activated protein kinase kinase kinase 14; minus strand). Cytogenetic location: 17q21.31.
Variant type: single nucleotide variant.
Coding change: c.1573A>C on transcript NM_003954.5 (MANE Select); coding-DNA position 1573, A replaced by C.
Protein change: p.Ser525Arg; replaces serine 525 with arginine.
Molecular consequence: missense variant.
Genome position (GRCh38, 1-based): chr17:45,273,587, T>G on the plus strand (A>C on the coding strand, the complement: MAP3K14 is on the minus strand). VCF-style: chr17-45273587-T-G. GRCh37 (hg19) VCF-style: chr17-43350954-T-G.
Other names: short protein forms S525R.
Identifiers: ClinVar variation 2074781 (VCV002074781.4), dbSNP rs2044156428, ClinGen allele CA399882553.
Genomic context (GRCh38, chr17:45,273,587, plus strand): 5'-CATCAGGTTGAAGACACACAGCATGGCCAAAGTCACAGAGGGCTGCGTGGCTCCCATCGC[T>G]GGACAGGAGCACGTTGTCAGCTGCCAGGCCGCCCCGGGGAGGAAGAGGAACAGGTGAGTC-3'
Protein context (NP_003945.2, residues 515-535): DVKADNVLLS[Ser525Arg]DGSHAALCDF

ClinVar aggregate classification (germline): Uncertain significance (1 of 4 stars; one submission).

Conditions:
NIK deficiency. Also called: Primary immunodeficiency with multifaceted aberrant lymphoid immunity. Identifiers: Orphanet 447731, MedGen C5680065, MONDO:0018642.

Submission:

Labcorp Genetics (formerly Invitae), Labcorp
Classification: Uncertain significance for NIK deficiency. Last evaluated: 2022-01-04. Review status: criteria provided, single submitter. Criteria: Invitae Variant Classification Sherloc (09022015). Collection method: clinical testing. Allele origin: germline.
Comment: In summary, the available evidence is currently insufficient to determine the role of this variant in disease. Therefore, it has been classified as a Variant of Uncertain Significance. Experimental studies and prediction algorithms are not available or were not evaluated, and the functional significance of this variant is currently unknown. This variant has not been reported in the literature in individuals affected with MAP3K14-related conditions. This variant is not present in population databases (gnomAD no frequency). This sequence change replaces serine, which is neutral and polar, with arginine, which is basic and polar, at codon 525 of the MAP3K14 protein (p.Ser525Arg).